The following is an entry in ClinVar:

ClinVar aggregate classification (germline): Pathogenic. Review status: criteria provided, single submitter (1 of 4 stars). 2 submissions from 2 submitters: Pathogenic (1). 1 of the submissions does not count toward it. Last evaluated 2024-06-07.

Conditions:
Mucopolysaccharidosis, MPS-II (MPS2). Also called: IDS deficiency; Sulfoiduronate sulfatase deficiency; SIDS deficiency; Mucopolysaccharidosis type 2; Mucopolysaccharidosis Type II; Attenuated MPS (subtype; formerly known as mild MPS II). Identifiers: Orphanet 580, Orphanet 79388, MedGen C0026705, MONDO:0010674, OMIM 309900.

Submissions (2):

Laboratory of Diagnosis and Therapy of Lysosomal Disorders, University of Padova
Classification: Pathogenic for Mucopolysaccharidosis, MPS-II. Last evaluated: 2024-06-07. Review status: criteria provided, single submitter. Criteria: ACMG Guidelines, 2015. Collection method: literature only. Allele origin: germline. Affected: yes. Observed: 1 variant allele.
Comment: Null variant (PVS1_Strong), Absent from controls (or at low frequency) in gnomAD database (PM2_Moderate), Patient’s phenotype or family history highly specific for the disease (PP4_Strong)

Classification method: ACMG Guidelines [PMID:25741868] with modifications

Laboratory of Inherited Metabolic Diseases, Research centre for medical genetics
Classification: Pathogenic for Mucopolysaccharidosis, type II; MPS2. Review status: no assertion criteria provided. Collection method: research. Allele origin: germline. Affected: yes. Not counted in ClinVar's aggregate classification.

Literature cited by the submitters: PubMed 33676511 (cited by Laboratory of Diagnosis and Therapy of Lysosomal Disorders, University of Padova).

NM_000202.8(IDS):c.1239_1240insCT (p.Ala414fs)

Gene: IDS (iduronate 2-sulfatase; minus strand). Cytogenetic location: Xq28.
Variant type: Insertion.
Coding change: c.1239_1240insCT on transcript NM_000202.8 (MANE Select); coding-DNA positions 1239 to 1240, CT inserted.
Protein change: p.Ala414fs; shifts the reading frame from alanine 414.
Molecular consequence: frameshift variant.
Genome position: GRCh38 VCF-style: chrX-149483159-C-CAG. GRCh37 (hg19) VCF-style: chrX-148564690-C-CAG.
Other names: c.969_970insCT, p.Ala324fs (NM_001166550.4); short protein forms A324fs, A414fs.
Identifiers: ClinVar variation 988697 (VCV000988697.3), dbSNP rs2089307879, ClinGen allele CA2465004074.